The following is an entry in ClinVar:

NM_080680.3(COL11A2):c.4409A>G (p.Lys1470Arg)

Gene: COL11A2 (collagen type XI alpha 2 chain; minus strand). Cytogenetic location: 6p21.32.
Variant type: single nucleotide variant.
Coding change: c.4409A>G on transcript NM_080680.3 (MANE Select); coding-DNA position 4409, A replaced by G.
Protein change: p.Lys1470Arg; replaces lysine 1470 with arginine.
Molecular consequence: missense variant.
Genome position (GRCh38, 1-based): chr6:33,166,190, T>C on the plus strand (A>G on the coding strand, the complement: COL11A2 is on the minus strand). VCF-style: chr6-33166190-T-C. GRCh37 (hg19) VCF-style: chr6-33133967-T-C.
Other names: c.4088A>G, p.Lys1363Arg (NM_080679.3); c.4151A>G, p.Lys1384Arg (NM_080681.3); short protein forms K1363R, K1384R, K1470R.
Identifiers: ClinVar variation 1522301 (VCV001522301.9), dbSNP rs897406698, ClinGen allele CA137062439.
Genomic context (GRCh38, chr6:33,166,190, plus strand): 5'-AGGGGGTGGAGCAAAGGTCAGAGCTGAAGGGGGTCACTCACTGTGGCTCCTTTGGCTCCT[T>C]TGGGGCCAGCAGGTCCCTGTGAAATGAGGAACAAGAAAGAGACGGTCACTGCAGGGGAAG-3'
Protein context (NP_542411.2, residues 1460-1480): PPGLPGPAGP[Lys1470Arg]GAKGATGPGG

ClinVar aggregate classification (germline): Uncertain significance. Review status: criteria provided, multiple submitters, no conflicts (2 of 4 stars). 3 submissions from 3 submitters: Uncertain significance (3). Last evaluated 2025-02-19.

Allele frequency attached by ClinVar (database versions not stated): gnomAD exomes below 0.00001.
gnomAD v4.1: 4 of 1,604,652 alleles (0.00025%); highest among the groups gnomAD compares: East Asian, 0.0022%; no homozygotes.

Submissions (3):

Dasa
Classification: Uncertain significance. Last evaluated: 2025-02-19. Review status: criteria provided, single submitter. Criteria: DASA Assertion Criteria. Collection method: clinical testing. Allele origin: germline.
Comment: NM_080680.3(COL11A2):c.4409A>G (p.Lys1470Arg) is a missense variant that results in the substitution of lysine with arginine. This variant is rare in population databases. The currently available literature and clinical evidence are not sufficient to establish a definitive association between this variant and the reported condition. Therefore, this variant is classified as a variant of uncertain significance.

Blueprint Genetics
Classification: Uncertain significance. Last evaluated: 2024-08-08. Review status: criteria provided, single submitter. Criteria: ACMG Guidelines, 2015. Collection method: clinical testing. Allele origin: germline.

Labcorp Genetics (formerly Invitae), Labcorp
Classification: Uncertain significance. Last evaluated: 2024-07-24. Review status: criteria provided, single submitter. Criteria: Invitae Variant Classification Sherloc (09022015). Collection method: clinical testing. Allele origin: germline.
Comment: This sequence change replaces lysine, which is basic and polar, with arginine, which is basic and polar, at codon 1470 of the COL11A2 protein (p.Lys1470Arg). This variant is not present in population databases (gnomAD no frequency). This variant has not been reported in the literature in individuals affected with COL11A2-related conditions. ClinVar contains an entry for this variant (Variation ID: 1522301). Advanced modeling of protein sequence and biophysical properties (such as structural, functional, and spatial information, amino acid conservation, physicochemical variation, residue mobility, and thermodynamic stability) performed at Invitae indicates that this missense variant is not expected to disrupt COL11A2 protein function with a negative predictive value of 95%. In summary, the available evidence is currently insufficient to determine the role of this variant in disease. Therefore, it has been classified as a Variant of Uncertain Significance.